The following is an entry in ClinVar:

ClinVar aggregate classification (germline): Pathogenic (1 of 4 stars; one submission).

Conditions:
Cerebral cavernous malformation (CCM). Also called: Cavernous Hemangioma of Brain; CAVERNOUS ANGIOMA, FAMILIAL; CAVERNOUS ANGIOMATOUS MALFORMATIONS; CEREBRAL CAPILLARY MALFORMATIONS; Cerebral cavernous malformations; Cerebral cavernous hemangioma (type). Identifiers: Orphanet 221061, MedGen C2919945, MONDO:0000820, OMIM 116860, HP:0033522.

Submission:

Labcorp Genetics (formerly Invitae), Labcorp
Classification: Pathogenic for Cerebral cavernous malformation. Last evaluated: 2023-11-15. Review status: criteria provided, single submitter. Criteria: Invitae Variant Classification Sherloc (09022015). Collection method: clinical testing. Allele origin: germline.
Comment: This variant is a gross deletion of the genomic region encompassing exon(s) 7-20 of the KRIT1 gene, which includes the termination codon. This deletion extends beyond the assayed region for this gene and therefore may encompass additional genes. While this deletion is not anticipated to lead to nonsense mediated decay, it is expected to alter mRNA translation or result in a truncated protein product. This variant has not been reported in the literature in individuals affected with KRIT1-related conditions. This variant disrupts a region of the KRIT1 protein in which other variant(s) (p.Phe708*) have been determined to be pathogenic (Invitae). This suggests that this is a clinically significant region of the protein, and that variants that disrupt it are likely to be disease-causing. For these reasons, this variant has been classified as Pathogenic.

NC_000007.13:g.(?_91830050)_(91867093_?)del

Gene: KRIT1 (KRIT1 ankyrin repeat containing; minus strand). Cytogenetic location: 7q21.2.
Variant type: Deletion.
Identifiers: ClinVar variation 2427628 (VCV002427628.5).